The following is an entry in ClinVar:

ClinVar aggregate classification (germline): Uncertain significance (1 of 4 stars; one submission).

Conditions:
Microcephaly 1, primary, autosomal recessive (MCPH1). Also called: PREMATURE CHROMOSOME CONDENSATION SYNDROME; PCC SYNDROME; PREMATURE CHROMOSOME CONDENSATION WITH MICROCEPHALY AND MENTAL RETARDATION. Identifiers: Orphanet 2512, MedGen C1855081, MONDO:0009617, OMIM 251200.

Submission:

Victorian Clinical Genetics Services, Murdoch Childrens Research Institute
Classification: Uncertain significance for Microcephaly 1, primary, autosomal recessive. Last evaluated: 2020-05-25. Review status: criteria provided, single submitter. Criteria: ACMG Guidelines, 2015. Collection method: clinical testing. Allele origin: germline. Inheritance: Autosomal recessive inheritance. Affected: yes.
Comment: Based on the classification scheme VCGS_Germline_v1.1.1, this variant is classified as 3A-VUS. Following criteria are met: 0102 - Loss-of-function is a known mechanism of disease for this gene. (N) 0106 - This gene is known to be associated with autosomal recessive disease. (N) 0200 - Variant is predicted to result in a missense amino acid change from a leucine to a phenylalanine (exon 3). (N) 0251 - Variant is heterozygous. (N) 0301 - Variant is absent from gnomAD. (P) 0309 - Alternative amino acid changes at the same position have been observed in gnomAD (3 heterozygotes, 0 homozygotes). (N) 0501 - Missense variant consistently predicted to be damaging by multiple in silico tools. (P) 0600 - Variant is located in an annotated domain or motif (BRCT domain; PDB, NCBI). (N) 0705 - No comparable variants have previous evidence for pathogenicity. (N) 0807 - Variant has not previously been reported in a clinical context. (N) 0905 - No segregation evidence has been identified for this variant. (N) 1007 - No published functional evidence has been identified for this variant. (N) Legend: (P) - Pathogenic, (N) - Neutral, (B) - Benign

NM_024596.5(MCPH1):c.208C>T (p.Leu70Phe)

Gene: MCPH1 (microcephalin 1; plus strand). Cytogenetic location: 8p23.1.
Variant type: single nucleotide variant.
Coding change: c.208C>T on transcript NM_024596.5 (MANE Select); coding-DNA position 208, C replaced by T.
Protein change: p.Leu70Phe; replaces leucine 70 with phenylalanine.
Molecular consequence: missense variant. On other transcripts: non-coding transcript variant (1).
Genome position (GRCh38, 1-based): chr8:6,414,858, C>T. VCF-style: chr8-6414858-C-T. GRCh37 (hg19) VCF-style: chr8-6272379-C-T.
Other names: c.208C>T, p.Leu70Phe (NM_001172574.2, NM_001172575.2, NM_001322042.2 and 4 more transcripts); c.202C>T, p.Leu68Phe (NM_001322043.2); c.106C>T, p.Leu36Phe (NM_001322045.2); short protein forms L36F, L68F, L70F.
Identifiers: ClinVar variation 1805631 (VCV001805631.1), dbSNP rs771555365, ClinGen allele CA370216110.